The following is an entry in ClinVar:

ClinVar aggregate classification (germline): Likely benign (0 of 4 stars; one submission).

Conditions:
GON4L-related disorder. Also called: GON4L-related condition.

Allele frequency attached by ClinVar (database versions not stated): TOPMed below 0.00001; gnomAD 0.00001; gnomAD exomes 0.00001.
gnomAD v4.1: 15 of 1,608,732 alleles (0.00093%); highest among the groups gnomAD compares: Admixed American, 0.012%; no homozygotes.

Submission:

PreventionGenetics, part of Exact Sciences
Classification: Likely benign for GON4L-related condition. Last evaluated: 2019-02-22. Review status: no assertion criteria provided. Collection method: clinical testing. Allele origin: germline.
Comment: This variant is classified as likely benign based on ACMG/AMP sequence variant interpretation guidelines (Richards et al. 2015 PMID: 25741868, with internal and published modifications).

NM_001282860.2(GON4L):c.4644A>G (p.Ala1548=)

Gene: GON4L (gon-4 like; minus strand). Cytogenetic location: 1q22.
Variant type: single nucleotide variant.
Coding change: c.4644A>G on transcript NM_001282860.2 (MANE Select); coding-DNA position 4644, A replaced by G.
Protein change: p.Ala1548=; no amino-acid change (alanine 1548 retained).
Molecular consequence: synonymous variant.
Genome position (GRCh38, 1-based): chr1:155,763,394, T>C on the plus strand (A>G on the coding strand, the complement: GON4L is on the minus strand). VCF-style: chr1-155763394-T-C. GRCh37 (hg19) VCF-style: chr1-155733185-T-C.
Other names: c.4644A>G, p.Ala1548= (NM_001282856.2, NM_001282858.2).
Identifiers: ClinVar variation 3058271 (VCV003058271.2), dbSNP rs1350509021, ClinGen allele CA421253183.